The following is an entry in ClinVar:

NM_002335.4(LRP5):c.1111G>A (p.Asp371Asn)

Gene: LRP5 (LDL receptor related protein 5; plus strand). Cytogenetic location: 11q13.2.
Variant type: single nucleotide variant.
Coding change: c.1111G>A on transcript NM_002335.4 (MANE Select); coding-DNA position 1111, G replaced by A.
Protein change: p.Asp371Asn; replaces aspartic acid 371 with asparagine.
Molecular consequence: missense variant. On other transcripts: 5 prime UTR variant (1).
Genome position (GRCh38, 1-based): chr11:68,386,411, G>A. VCF-style: chr11-68386411-G-A. GRCh37 (hg19) VCF-style: chr11-68153879-G-A.
Other names: c.-655G>A (NM_001291902.2); short protein forms D371N.
Identifiers: ClinVar variation 2880153 (VCV002880153.6), dbSNP rs764331609, ClinGen allele CA6149250.

ClinVar aggregate classification (germline): Uncertain significance. Review status: criteria provided, multiple submitters, no conflicts (2 of 4 stars). 3 submissions from 3 submitters: Uncertain significance (3). Last evaluated 2024-04-15.

Conditions:
Worth disease. Also called: ENDOSTEAL HYPEROSTOSIS, AUTOSOMAL DOMINANT; OSTEOSCLEROSIS, AUTOSOMAL DOMINANT; Autosomal dominant osteosclerosis, Worth type. Identifiers: Orphanet 2790, MedGen C0432273, MONDO:0007764, OMIM 144750.
Bone mineral density quantitative trait locus 1 (BMND1). Identifiers: MedGen C1866079, OMIM 601884.
Exudative vitreoretinopathy 4 (EVR4). Identifiers: Orphanet 891, MedGen C1866176, MONDO:0011151, OMIM 601813.
Polycystic liver disease 4 with or without kidney cysts. Identifiers: MedGen C4693479, MONDO:0044327, OMIM 617875.
Autosomal dominant osteopetrosis 1 (OPTA1). Also called: OSTEOPETROSIS, AUTOSOMAL DOMINANT, TYPE I. Identifiers: Orphanet 2783, MedGen C1843330, MONDO:0011877, OMIM 607634.
Osteoporosis with pseudoglioma (OPPG). Also called: osteoporosis-pseudoglioma syndrome. Identifiers: Orphanet 2788, MedGen C0432252, MONDO:0009820, OMIM 259770.

Allele frequency attached by ClinVar (database versions not stated): TOPMed below 0.00001; gnomAD exomes 0.00001; ExAC 0.00002; gnomAD 0.00003.
gnomAD v4.1: 12 of 1,613,906 alleles (0.00074%); highest among the groups gnomAD compares: East Asian, 0.011%; no homozygotes.

Submissions (3):

Fulgent Genetics
Classification: Uncertain significance for Worth disease; Osteoporosis with pseudoglioma; Exudative vitreoretinopathy 4; Bone mineral density quantitative trait locus 1; Autosomal dominant osteopetrosis 1; Polycystic liver disease 4 with or without kidney cysts. Last evaluated: 2024-04-15. Review status: criteria provided, single submitter. Criteria: ACMG Guidelines, 2015. Collection method: clinical testing. Allele origin: germline.

Labcorp Genetics (formerly Invitae), Labcorp
Classification: Uncertain significance. Last evaluated: 2023-07-31. Review status: criteria provided, single submitter. Criteria: Invitae Variant Classification Sherloc (09022015). Collection method: clinical testing. Allele origin: germline.
Comment: This variant has not been reported in the literature in individuals affected with LRP5-related conditions. In summary, the available evidence is currently insufficient to determine the role of this variant in disease. Therefore, it has been classified as a Variant of Uncertain Significance. Advanced modeling of protein sequence and biophysical properties (such as structural, functional, and spatial information, amino acid conservation, physicochemical variation, residue mobility, and thermodynamic stability) performed at Invitae indicates that this missense variant is not expected to disrupt LRP5 protein function. This variant is present in population databases (rs764331609, gnomAD 0.02%). This sequence change replaces aspartic acid, which is acidic and polar, with asparagine, which is neutral and polar, at codon 371 of the LRP5 protein (p.Asp371Asn).

Juno Genomics, Hangzhou Juno Genomics, Inc
Classification: Uncertain significance for Bone mineral density quantitative trait locus 1; Worth disease; Exudative vitreoretinopathy 4; Autosomal dominant osteopetrosis 1; Osteoporosis with pseudoglioma; Polycystic liver disease 4 with or without kidney cysts. Review status: criteria provided, single submitter. Criteria: ACMG Guidelines, 2015. Collection method: clinical testing. Allele origin: germline.
Comment: Absent from controls (or at extremely low frequency if recessive) in Genome Aggregation Database.;Missense variant in a gene that has a low rate of benign missense variation.